The following is an entry in ClinVar:

NM_001114748.2(TMEM240):c.58-20C>G

Gene: TMEM240 (transmembrane protein 240; minus strand). Cytogenetic location: 1p36.33.
Variant type: single nucleotide variant.
Coding change: c.58-20C>G on transcript NM_001114748.2 (MANE Select); 20 bases into the intron before coding-DNA position 58, C replaced by G.
Molecular consequence: intron variant.
Genome position (GRCh38, 1-based): chr1:1,539,810, G>C on the plus strand (C>G on the coding strand, the complement: TMEM240 is on the minus strand). VCF-style: chr1-1539810-G-C. GRCh37 (hg19) VCF-style: chr1-1475190-G-C.
Identifiers: ClinVar variation 2813798 (VCV002813798.3), dbSNP rs568994708, ClinGen allele CA16800229.

ClinVar aggregate classification (germline): Uncertain significance (1 of 4 stars; one submission).

Allele frequency attached by ClinVar (database versions not stated): gnomAD 0.00001; 1000 Genomes Project 30x 0.00016; 1000 Genomes Project 0.00020.

Submission:

Labcorp Genetics (formerly Invitae), Labcorp
Classification: Uncertain significance. Last evaluated: 2023-02-19. Review status: criteria provided, single submitter. Criteria: Invitae Variant Classification Sherloc (09022015). Collection method: clinical testing. Allele origin: germline.
Comment: In summary, the available evidence is currently insufficient to determine the role of this variant in disease. Therefore, it has been classified as a Variant of Uncertain Significance. Algorithms developed to predict the effect of sequence changes on RNA splicing suggest that this variant may disrupt the consensus splice site. This variant has not been reported in the literature in individuals affected with TMEM240-related conditions. This variant is not present in population databases (gnomAD no frequency). This sequence change falls in intron 1 of the TMEM240 gene. It does not directly change the encoded amino acid sequence of the TMEM240 protein.